The following is an entry in ClinVar:

NM_001735.3(C5):c.813A>G (p.Ile271Met)

Gene: C5 (complement C5; minus strand). Cytogenetic location: 9q33.2.
Variant type: single nucleotide variant.
Coding change: c.813A>G on transcript NM_001735.3 (MANE Select); coding-DNA position 813, A replaced by G.
Protein change: p.Ile271Met; replaces isoleucine 271 with methionine.
Molecular consequence: missense variant.
Genome position (GRCh38, 1-based): chr9:121,027,220, T>C on the plus strand (A>G on the coding strand, the complement: C5 is on the minus strand). VCF-style: chr9-121027220-T-C. GRCh37 (hg19) VCF-style: chr9-123789498-T-C.
Other names: c.831A>G, p.Ile277Met (NM_001317163.2); c.813A>G, p.Ile271Met (NM_001317164.2); short protein forms I271M, I277M.
Identifiers: ClinVar variation 1366548 (VCV001366548.9), dbSNP rs2131788839, ClinGen allele CA374756534.

ClinVar aggregate classification (germline): Uncertain significance. Review status: criteria provided, multiple submitters, no conflicts (2 of 4 stars). 2 submissions from 2 submitters: Uncertain significance (2). Last evaluated 2022-03-03.

Conditions:
Eculizumab, poor response to. Identifiers: MedGen C3810402, OMIM 615749.
Complement component 5 deficiency. Also called: C5 DEFICIENCY. Identifiers: MedGen C0343047, MONDO:0012295, OMIM 609536.

Allele frequency attached by ClinVar (database versions not stated): gnomAD exomes below 0.00001.
gnomAD v4.1: 1 of 1,603,634 alleles (0.000062%); highest among the groups gnomAD compares: Non-Finnish European, 0.000085%; no homozygotes.

Submissions (2):

Fulgent Genetics
Classification: Uncertain significance for Complement component 5 deficiency; Eculizumab, poor response to. Last evaluated: 2022-03-03. Review status: criteria provided, single submitter. Criteria: ACMG Guidelines, 2015. Collection method: clinical testing. Allele origin: unknown.

Labcorp Genetics (formerly Invitae), Labcorp
Classification: Uncertain significance. Last evaluated: 2021-07-09. Review status: criteria provided, single submitter. Criteria: Invitae Variant Classification Sherloc (09022015). Collection method: clinical testing. Allele origin: germline.
Comment: In summary, the available evidence is currently insufficient to determine the role of this variant in disease. Therefore, it has been classified as a Variant of Uncertain Significance. Algorithms developed to predict the effect of missense changes on protein structure and function are either unavailable or do not agree on the potential impact of this missense change (SIFT: "Tolerated"; PolyPhen-2: "Possibly Damaging"; Align-GVGD: "Class C0"). This variant has not been reported in the literature in individuals affected with C5-related conditions. This variant is not present in population databases (ExAC no frequency). This sequence change replaces isoleucine with methionine at codon 271 of the C5 protein (p.Ile271Met). The isoleucine residue is weakly conserved and there is a small physicochemical difference between isoleucine and methionine.